The following is an entry in ClinVar:

NM_001792.5(CDH2):c.1978G>A (p.Asp660Asn)

Gene: CDH2 (cadherin 2; minus strand). Cytogenetic location: 18q12.1.
Variant type: single nucleotide variant.
Coding change: c.1978G>A on transcript NM_001792.5 (MANE Select); coding-DNA position 1978, G replaced by A.
Protein change: p.Asp660Asn; replaces aspartic acid 660 with asparagine.
Molecular consequence: missense variant.
Genome position (GRCh38, 1-based): chr18:27,985,231, C>T on the plus strand (G>A on the coding strand, the complement: CDH2 is on the minus strand). VCF-style: chr18-27985231-C-T. GRCh37 (hg19) VCF-style: chr18-25565195-C-T.
Other names: c.1885G>A, p.Asp629Asn (NM_001308176.2); short protein forms D629N, D660N.
Identifiers: ClinVar variation 2562129 (VCV002562129.2), dbSNP rs1394668941, ClinGen allele CA402107135.

ClinVar aggregate classification (germline): Uncertain significance (1 of 4 stars; one submission).

Conditions:
Inborn genetic diseases. Identifiers: MedGen C0950123, MeSH D030342.

Allele frequency attached by ClinVar (database versions not stated): gnomAD exomes below 0.00001.
gnomAD v4.1: 3 of 1,569,160 alleles (0.00019%); highest among the groups gnomAD compares: Non-Finnish European, 0.00026%; no homozygotes.

Submission:

Ambry Genetics
Classification: Uncertain significance for Inborn genetic diseases. Last evaluated: 2023-03-16. Review status: criteria provided, single submitter. Criteria: Ambry Variant Classification Scheme 2023. Collection method: clinical testing. Allele origin: germline.
Comment: The p.D660N variant (also known as c.1978G>A), located in coding exon 13 of the CDH2 gene, results from a G to A substitution at nucleotide position 1978. The aspartic acid at codon 660 is replaced by asparagine, an amino acid with highly similar properties. This amino acid position is conserved. In addition, this alteration is predicted to be tolerated by in silico analysis. Since supporting evidence is limited at this time, the clinical significance of this alteration remains unclear.